The following is an entry in ClinVar:

NM_000492.4(CFTR):c.4220T>C (p.Met1407Thr)

Gene: CFTR (CF transmembrane conductance regulator; plus strand). Cytogenetic location: 7q31.2.
Variant type: single nucleotide variant.
Coding change: c.4220T>C on transcript NM_000492.4 (MANE Select); coding-DNA position 4220, T replaced by C.
Protein change: p.Met1407Thr; replaces methionine 1407 with threonine.
Molecular consequence: missense variant.
Genome position (GRCh38, 1-based): chr7:117,665,542, T>C. VCF-style: chr7-117665542-T-C. GRCh37 (hg19) VCF-style: chr7-117305596-T-C.
Other names: M1407T.
Identifiers: ClinVar variation 1706050 (VCV001706050.10), dbSNP rs1328842974, ClinGen allele CA368983750.

ClinVar aggregate classification (germline): Uncertain significance. Review status: criteria provided, multiple submitters, no conflicts (2 of 4 stars). 5 submissions from 5 submitters: Uncertain significance (5). Last evaluated 2026-04-02.

Conditions:
Cystic fibrosis (CF). Also called: MUCOVISCIDOSIS. Identifiers: Orphanet 586, MedGen C0010674, MONDO:0009061, OMIM 219700. Disease mechanism: loss of function.

Allele frequency attached by ClinVar (database versions not stated): TOPMed 0.00001; gnomAD 0.00001.

Submissions (5):

Women's Health and Genetics/Laboratory Corporation of America, LabCorp
Classification: Uncertain significance. Last evaluated: 2026-04-02. Review status: criteria provided, single submitter. Criteria: LabCorp Variant Classification Summary - May 2015. Collection method: clinical testing. Allele origin: germline.
Comment: Variant summary: CFTR c.4220T>C (p.Met1407Thr) results in a non-conservative amino acid change located in the ABC transporter-like, ATP-binding domain of the encoded protein sequence. Algorithms developed to predict the effect of missense changes on protein structure and function are either unavailable or do not agree on the potential impact of this missense change. The variant was absent in 250766 control chromosomes. The available data on variant occurrences in the general population are insufficient to allow any conclusion about variant significance. c.4220T>C has been reported in the literature in one allele from an individual identified as having Cystic Fibrosis through a newborn screening program (Bozdogan_2021), and once in a population-based screen of Portuguese children (Grangeia_2018). These reports do not provide unequivocal conclusions about association of the variant with Cystic Fibrosis. To our knowledge, no experimental evidence demonstrating an impact on protein function has been reported. The following publications have been ascertained in the context of this evaluation (PMID: 33572515, 29589582). ClinVar contains an entry for this variant (Variation ID: 1706050). Based on the evidence outlined above, the variant was classified as uncertain significance.

Quest Diagnostics Nichols Institute San Juan Capistrano
Classification: Uncertain significance. Last evaluated: 2022-12-30. Review status: criteria provided, single submitter. Criteria: Quest Diagnostics criteria. Collection method: clinical testing. Allele origin: unknown.
Comment: The frequency of this variant in the general population, 0.0000066 (1/152244 chromosomes), is uninformative in assessment of its pathogenicity. In the published literature, the variant has been reported in one allele in a population screen of children (PMID: 29589582 (2018)). Analysis of this variant using bioinformatics tools for the prediction of the effect of amino acid changes on protein structure and function yielded conflicting predictions that this variant is deleterious or benign. Based on the available information, we are unable to determine the clinical significance of this variant.

Institute of Human Genetics, University of Leipzig Medical Center
Classification: Uncertain significance for Cystic fibrosis. Last evaluated: 2022-09-05. Review status: criteria provided, single submitter. Criteria: ACMG Guidelines, 2015. Collection method: curation. Allele origin: unknown. Affected: yes. Observed: 1 variant allele.
Comment: The variant was classified in the context of a project re-classifying variants in the German Cystic Fibrosis Registry (Muko.e.V.). Criteria applied: PM2_SUP

Labcorp Genetics (formerly Invitae), Labcorp
Classification: Uncertain significance for Cystic fibrosis. Last evaluated: 2022-05-31. Review status: criteria provided, single submitter. Criteria: Invitae Variant Classification Sherloc (09022015). Collection method: clinical testing. Allele origin: germline.
Comment: This sequence change replaces methionine, which is neutral and non-polar, with threonine, which is neutral and polar, at codon 1407 of the CFTR protein (p.Met1407Thr). This variant is not present in population databases (gnomAD no frequency). This missense change has been observed in individual(s) with CFTR-related conditions (PMID: 29589582, 33572515). Algorithms developed to predict the effect of missense changes on protein structure and function are either unavailable or do not agree on the potential impact of this missense change (SIFT: "Deleterious"; PolyPhen-2: "Benign"; Align-GVGD: "Class C25"). In summary, the available evidence is currently insufficient to determine the role of this variant in disease. Therefore, it has been classified as a Variant of Uncertain Significance.

Ambry Genetics
Classification: Uncertain significance for Cystic fibrosis. Last evaluated: 2020-01-29. Review status: criteria provided, single submitter. Criteria: Ambry Variant Classification Scheme 2023. Collection method: clinical testing. Allele origin: germline.
Comment: The p.M1407T variant (also known as c.4220T>C), located in coding exon 26 of the CFTR gene, results from a T to C substitution at nucleotide position 4220. The methionine at codon 1407 is replaced by threonine, an amino acid with similar properties. This variant was detected once in a population-based cohort of children (Grangeia A et al. Pulmonology Mar;24:3-9). This amino acid position is not well conserved in available vertebrate species. In addition, the in silico prediction for this alteration is inconclusive. Since supporting evidence is limited at this time, the clinical significance of this alteration remains unclear.

Literature cited by the submitters: PubMed 29589582 (cited by 4 submitters); PubMed 33572515 (cited by Women's Health and Genetics/Laboratory Corporation of America, LabCorp and Labcorp Genetics (formerly Invitae), Labcorp).